The following is an entry in ClinVar:

NM_024334.3(TMEM43):c.605A>G (p.Asn202Ser)

Gene: TMEM43 (transmembrane protein 43; plus strand). Cytogenetic location: 3p25.1.
Variant type: single nucleotide variant.
Coding change: c.605A>G on transcript NM_024334.3 (MANE Select); coding-DNA position 605, A replaced by G.
Protein change: p.Asn202Ser; replaces asparagine 202 with serine.
Molecular consequence: missense variant.
Genome position (GRCh38, 1-based): chr3:14,134,791, A>G. VCF-style: chr3-14134791-A-G. GRCh37 (hg19) VCF-style: chr3-14176291-A-G.
Other names: c.608A>G, p.Asn203Ser (NM_001407274.1); c.605A>G, p.Asn202Ser (NM_001407275.1, NM_001407276.1, NM_001407277.1 and 1 more transcripts); c.590A>G, p.Asn197Ser (NM_001407278.1); c.455A>G, p.Asn152Ser (NM_001407280.1); short protein forms N202S, N152S, N197S, N203S.
Identifiers: ClinVar variation 3970681 (VCV003970681.2).

ClinVar aggregate classification (germline): Uncertain significance (1 of 4 stars; one submission).

Conditions:
Cardiovascular phenotype. Identifiers: MedGen CN230736.

Submission:

Ambry Genetics
Classification: Uncertain significance for Cardiovascular phenotype. Last evaluated: 2026-03-09. Review status: criteria provided, single submitter. Criteria: Ambry Variant Classification Scheme 2023. Collection method: clinical testing. Allele origin: germline.
Comment: The p.N202S variant (also known as c.605A>G), located in coding exon 8 of the TMEM43 gene, results from an A to G substitution at nucleotide position 605. The asparagine at codon 202 is replaced by serine, an amino acid with highly similar properties. This amino acid position is conserved. In addition, this alteration is predicted to be tolerated by in silico analysis. Based on the available evidence, the clinical significance of this variant remains unclear.